The following is an entry in ClinVar:

ClinVar aggregate classification (germline): Conflicting classifications of pathogenicity. Review status: criteria provided, conflicting classifications (1 of 4 stars). 2 submissions from 2 submitters: Uncertain significance (1); Likely benign (1). Last evaluated 2024-09-10.

gnomAD v4.1: 4 of 1,201,803 alleles (0.00033%); highest among the groups gnomAD compares: Non-Finnish European, 0.00045%; no homozygotes.

Submissions (2):

GeneDx
Classification: Likely benign. Last evaluated: 2024-09-10. Review status: criteria provided, single submitter. Criteria: GeneDx Variant Classification Process June 2021. Collection method: clinical testing. Allele origin: germline. Affected: yes.
Comment: See Variant Classification Assertion Criteria.

Labcorp Genetics (formerly Invitae), Labcorp
Classification: Uncertain significance. Last evaluated: 2024-04-11. Review status: criteria provided, single submitter. Criteria: Invitae Variant Classification Sherloc (09022015). Collection method: clinical testing. Allele origin: germline.
Comment: This sequence change replaces valine, which is neutral and non-polar, with glycine, which is neutral and non-polar, at codon 1020 of the STAG2 protein (p.Val1020Gly). This variant is present in population databases (no rsID available, gnomAD 0.02%). This variant has not been reported in the literature in individuals affected with STAG2-related conditions. Advanced modeling of protein sequence and biophysical properties (such as structural, functional, and spatial information, amino acid conservation, physicochemical variation, residue mobility, and thermodynamic stability) performed at Invitae indicates that this missense variant is not expected to disrupt STAG2 protein function with a negative predictive value of 80%. In summary, the available evidence is currently insufficient to determine the role of this variant in disease. Therefore, it has been classified as a Variant of Uncertain Significance.

NM_001042750.2(STAG2):c.3059T>G (p.Val1020Gly)

Gene: STAG2 (STAG2 cohesin complex component; plus strand). Cytogenetic location: Xq25.
Variant type: single nucleotide variant.
Coding change: c.3059T>G on transcript NM_001042750.2 (MANE Select); coding-DNA position 3059, T replaced by G.
Protein change: p.Val1020Gly; replaces valine 1020 with glycine.
Molecular consequence: missense variant.
Genome position (GRCh38, 1-based): chrX:124,086,552, T>G. VCF-style: chrX-124086552-T-G. GRCh37 (hg19) VCF-style: chrX-123220402-T-G.
Other names: c.3059T>G, p.Val1020Gly (NM_001282418.2, NM_001375366.1, NM_001375367.1 and 13 more transcripts); short protein forms V1020G.
Identifiers: ClinVar variation 3687977 (VCV003687977.3).